The following is an entry in ClinVar:

ClinVar aggregate classification (germline): Uncertain significance. Review status: criteria provided, multiple submitters, no conflicts (2 of 4 stars). 2 submissions from 2 submitters: Uncertain significance (2). Last evaluated 2025-03-31.

Conditions:
Pitt-Hopkins-like syndrome 2 (PTHSL2). Identifiers: Orphanet 221150, Orphanet 600663, MedGen C3280479, MONDO:0013690, OMIM 614325.

gnomAD v4.1: 3 of 1,612,112 alleles (0.00019%); highest among the groups gnomAD compares: Non-Finnish European, 0.00025%; no homozygotes.

Submissions (2):

Labcorp Genetics (formerly Invitae), Labcorp
Classification: Uncertain significance for Pitt-Hopkins-like syndrome 2. Last evaluated: 2025-03-31. Review status: criteria provided, single submitter. Criteria: Invitae Variant Classification Sherloc (09022015). Collection method: clinical testing. Allele origin: germline.
Comment: This sequence change affects codon 822 of the NRXN1 mRNA. It is a 'silent' change, meaning that it does not change the encoded amino acid sequence of the NRXN1 protein. It affects a nucleotide within the consensus splice site. This variant is present in population databases (rs764741914, gnomAD 0.0009%). This variant has not been reported in the literature in individuals affected with NRXN1-related conditions. ClinVar contains an entry for this variant (Variation ID: 1974203). Algorithms developed to predict the effect of sequence changes on RNA splicing suggest that this variant is not likely to affect RNA splicing. In summary, the available evidence is currently insufficient to determine the role of this variant in disease. Therefore, it has been classified as a Variant of Uncertain Significance.

Revvity Omics, Revvity
Classification: Uncertain significance for Pitt-Hopkins-like syndrome 2. Last evaluated: 2019-09-10. Review status: criteria provided, single submitter. Criteria: ACMG Guidelines, 2015. Collection method: clinical testing. Allele origin: germline.

NM_001330078.2(NRXN1):c.2346A>G (p.Leu782=)

Gene: NRXN1 (neurexin 1; minus strand). Cytogenetic location: 2p16.3.
Variant type: single nucleotide variant.
Coding change: c.2346A>G on transcript NM_001330078.2 (MANE Select); coding-DNA position 2346, A replaced by G.
Protein change: p.Leu782=; no amino-acid change (leucine 782 retained).
Molecular consequence: synonymous variant.
Genome position (GRCh38, 1-based): chr2:50,531,228, T>C on the plus strand (A>G on the coding strand, the complement: NRXN1 is on the minus strand). VCF-style: chr2-50531228-T-C. GRCh37 (hg19) VCF-style: chr2-50758366-T-C.
Other names: c.2466A>G, p.Leu822= (NM_001135659.3); c.2322A>G, p.Leu774= (NM_001330077.2, NM_001330082.2, NM_001330095.2); c.2307A>G, p.Leu769= (NM_001330083.2, NM_001330084.2); c.2346A>G, p.Leu782= (NM_001330085.2, NM_001330086.2, NM_004801.6); c.2262A>G, p.Leu754= (NM_001330087.2, NM_001330096.2); c.2292A>G, p.Leu764= (NM_001330088.2); c.2343A>G, p.Leu781= (NM_001330093.2); c.2334A>G, p.Leu778= (NM_001330094.2).
Identifiers: ClinVar variation 1974203 (VCV001974203.8), dbSNP rs764741914, ClinGen allele CA1654865.
Genomic context (GRCh38, chr2:50,531,228, plus strand): 5'-AGGCAAATTGAACAAAAAGTAAAAAAGTGTTAGTTCAATGGGGGAAGGCAGGTTGTTACC[T>C]AGATTGACCGTCAGTTTCACACGTCCTGCGTCTAGCTCCAGGCGGAGGGTGTCAGCAGAG-3'
Protein context (NP_001317007.1, residues 772-792): DAGRVKLTVN[Leu782=]DCIRINCNSS